The following is an entry in ClinVar:

NM_024312.5(GNPTAB):c.3014_3018dup (p.Pro1007fs)

Gene: GNPTAB (N-acetylglucosamine-1-phosphate transferase subunits alpha and beta; minus strand). Cytogenetic location: 12q23.2.
Variant type: Microsatellite.
Coding change: c.3014_3018dup on transcript NM_024312.5 (MANE Select); coding-DNA positions 3014 to 3018, 5 bases duplicated (TGCAG; older notation c.3014_3018dupTGCAG).
Protein change: p.Pro1007fs; shifts the reading frame from proline 1007.
Molecular consequence: frameshift variant.
Genome position (GRCh38, 1-based): chr12:101,761,244-101,761,248, CTGCA duplicated on the plus strand (TGCAG on the coding strand, the reverse complement: GNPTAB is on the minus strand); duplicating any 5 consecutive bases within chr12:101,761,244-101,761,255 gives the same sequence; the c. name uses the placement nearest the transcript's 3' end. VCF-style (leftmost placement, unchanged base first): chr12-101761243-G-GCTGCA. GRCh37 (hg19) VCF-style: chr12-102155021-G-GCTGCA.
Other names: short protein forms P1007fs.
Identifiers: ClinVar variation 2014582 (VCV002014582.5), dbSNP rs2547954355, ClinGen allele CA2580616840.

ClinVar aggregate classification (germline): Pathogenic. Review status: criteria provided, multiple submitters, no conflicts (2 of 4 stars). 2 submissions from 2 submitters: Pathogenic (2). Last evaluated 2026-03-14.

Conditions:
Mucolipidosis type II. Also called: Mucolipidosis II Alpha/Beta; ML II ALPHA/BETA; Mucolipidosis 2; ML 2; Inclusion cell disease; Leroy Disease. Identifiers: Orphanet 576, MedGen C2673377, MONDO:0009650, OMIM 252500.
Pseudo-Hurler polydystrophy. Also called: MUCOLIPIDOSIS IIIA; ML III; ML III ALPHA/BETA; Type III Mucolipidosis; ML IIIA; Mucolipidosis III Alpha/Beta. Identifiers: Orphanet 423461, Orphanet 577, MedGen C0033788, MONDO:0018931, OMIM 252600.
GNPTAB-mucolipidosis. Also called: UDP-N-acetylglucosamine-1-phosphotransferase subunit alpha/beta deficiency. Identifiers: MedGen CN322573, MONDO:0100122.

Submissions (2):

Myriad Genetics, Inc.
Classification: Pathogenic for GNPTAB-mucolipidosis. Last evaluated: 2026-03-14. Review status: criteria provided, single submitter. Criteria: Myriad Autosomal Dominant, Autosomal Recessive and X-Linked Classification Criteria (2023). Collection method: clinical testing. Allele origin: unknown.
Comment: NM_024312.4(GNPTAB):c.3014_3018dup5(P1007Cfs*4) is expected to be pathogenic in the context of GNPTAB-related disorders. This variant is predicted to lead to an abnormal or absent protein product due to the creation of a premature termination codon in GNPTAB, a gene where loss-of-function variants are known to be pathogenic. Please note: this variant was assessed in the context of healthy population screening.

Labcorp Genetics (formerly Invitae), Labcorp
Classification: Pathogenic for Pseudo-Hurler polydystrophy; Mucolipidosis type II. Last evaluated: 2022-07-06. Review status: criteria provided, single submitter. Criteria: Invitae Variant Classification Sherloc (09022015). Collection method: clinical testing. Allele origin: germline.
Comment: This sequence change creates a premature translational stop signal (p.Pro1007Cysfs*4) in the GNPTAB gene. It is expected to result in an absent or disrupted protein product. Loss-of-function variants in GNPTAB are known to be pathogenic (PMID: 19617216, 25107912). This variant is not present in population databases (gnomAD no frequency). This variant has not been reported in the literature in individuals affected with GNPTAB-related conditions. For these reasons, this variant has been classified as Pathogenic.

Literature cited by the submitters: PubMed 19617216 (cited by Labcorp Genetics (formerly Invitae), Labcorp); PubMed 25107912 (cited by Labcorp Genetics (formerly Invitae), Labcorp).